The following is an entry in ClinVar:

NM_032119.4(ADGRV1):c.13850G>A (p.Gly4617Glu)

Gene: ADGRV1 (adhesion G protein-coupled receptor V1; plus strand). Cytogenetic location: 5q14.3.
Variant type: single nucleotide variant.
Coding change: c.13850G>A on transcript NM_032119.4 (MANE Select); coding-DNA position 13850, G replaced by A.
Protein change: p.Gly4617Glu; replaces glycine 4617 with glutamic acid.
Molecular consequence: missense variant. On other transcripts: non-coding transcript variant (1).
Genome position (GRCh38, 1-based): chr5:90,788,267, G>A. VCF-style: chr5-90788267-G-A. GRCh37 (hg19) VCF-style: chr5-90084084-G-A.
Other names: short protein forms G4617E.
Identifiers: ClinVar variation 2413948 (VCV002413948.3), dbSNP rs182984071, ClinGen allele CA3341627.

ClinVar aggregate classification (germline): Uncertain significance (1 of 4 stars; one submission).

Allele frequency attached by ClinVar (database versions not stated): ExAC 0.00002; gnomAD exomes 0.00002; TOPMed 0.00003; gnomAD 0.00004; 1000 Genomes Project 30x 0.00031; 1000 Genomes Project 0.00040.
gnomAD v4.1: 29 of 1,612,592 alleles (0.0018%); highest among the groups gnomAD compares: Admixed American, 0.012%; no homozygotes.

Submission:

Labcorp Genetics (formerly Invitae), Labcorp
Classification: Uncertain significance. Last evaluated: 2022-03-14. Review status: criteria provided, single submitter. Criteria: Invitae Variant Classification Sherloc (09022015). Collection method: clinical testing. Allele origin: germline.
Comment: This sequence change replaces glycine, which is neutral and non-polar, with glutamic acid, which is acidic and polar, at codon 4617 of the ADGRV1 protein (p.Gly4617Glu). This variant is present in population databases (rs182984071, gnomAD 0.004%). This variant has not been reported in the literature in individuals affected with ADGRV1-related conditions. Algorithms developed to predict the effect of missense changes on protein structure and function are either unavailable or do not agree on the potential impact of this missense change (SIFT: "Deleterious"; PolyPhen-2: "Probably Damaging"; Align-GVGD: "Class C0"). In summary, the available evidence is currently insufficient to determine the role of this variant in disease. Therefore, it has been classified as a Variant of Uncertain Significance.